The following is an entry in ClinVar:

ClinVar aggregate classification (germline): Likely pathogenic (1 of 4 stars; one submission).

Submission:

Labcorp Genetics (formerly Invitae), Labcorp
Classification: Likely pathogenic. Last evaluated: 2022-03-10. Review status: criteria provided, single submitter. Criteria: Invitae Variant Classification Sherloc (09022015). Collection method: clinical testing. Allele origin: germline.
Comment: In summary, the currently available evidence indicates that the variant is pathogenic, but additional data are needed to prove that conclusively. Therefore, this variant has been classified as Likely Pathogenic. This sequence change affects an acceptor splice site in intron 1 of the COL2A1 gene. It is expected to disrupt RNA splicing. Variants that disrupt the donor or acceptor splice site typically lead to a loss of protein function (PMID: 16199547), and loss-of-function variants in COL2A1 are known to be pathogenic (PMID: 20179744). This variant is not present in population databases (gnomAD no frequency). This variant has not been reported in the literature in individuals affected with COL2A1-related conditions. Algorithms developed to predict the effect of sequence changes on RNA splicing suggest that this variant may disrupt the consensus splice site.

Literature cited by the submitters: PubMed 16199547; PubMed 20179744.

NM_001844.5(COL2A1):c.86-1G>A

Gene: COL2A1 (collagen type II alpha 1 chain; minus strand). Cytogenetic location: 12q13.11.
Variant type: single nucleotide variant.
Coding change: c.86-1G>A on transcript NM_001844.5 (MANE Select); the canonical splice acceptor site of the intron before coding-DNA position 86, G replaced by A.
Molecular consequence: splice acceptor variant. On other transcripts: intron variant (1).
Genome position (GRCh38, 1-based): chr12:48,000,126, C>T on the plus strand (G>A on the coding strand, the complement: COL2A1 is on the minus strand). VCF-style: chr12-48000126-C-T. GRCh37 (hg19) VCF-style: chr12-48393909-C-T.
Other names: c.86-1695G>A (NM_033150.3).
Identifiers: ClinVar variation 2108261 (VCV002108261.4), dbSNP rs2540187950, ClinGen allele CA384526896.
Genomic context (GRCh38, chr12:48,000,126, plus strand): 5'-GCTTCCACACATCCTTATCATTATACCTCTGCCCATCCTGCACACAGCTGCCAGCCTCCT[C>T]TGCACCAAGGGTGGGGAGGGAGAAGCAGAGAGCCAAGGGAAGGAGGGGGTGGGGAGCCAG-3'